The following is an entry in ClinVar:

ClinVar aggregate classification (germline): Uncertain significance (1 of 4 stars; one submission).

Conditions:
Aicardi-Goutieres syndrome 7 (AGS7). Identifiers: Orphanet 51, MedGen C3888244, MONDO:0014367, OMIM 615846.
Singleton-Merten syndrome 1 (SGMRT1). Also called: Widened medullary cavities of bone, aortic calcification, abnormal dentition, and muscular weakness; Syndrome of widened medullary cavities of the metacarpals and phalanges, aortic calcification and abnormal dentition. Identifiers: Orphanet 85191, MedGen C4225427, MONDO:0024535, OMIM 182250.

Allele frequency attached by ClinVar (database versions not stated): gnomAD 0.00001; gnomAD exomes 0.00001; ExAC 0.00002; ESP Exome Variant Server 0.00008.
gnomAD v4.1: 16 of 1,612,064 alleles (0.00099%); highest among the groups gnomAD compares: Non-Finnish European, 0.0011%; no homozygotes.

Submission:

Labcorp Genetics (formerly Invitae), Labcorp
Classification: Uncertain significance for Aicardi-Goutieres syndrome 7; Singleton-Merten syndrome 1. Last evaluated: 2024-05-29. Review status: criteria provided, single submitter. Criteria: Invitae Variant Classification Sherloc (09022015). Collection method: clinical testing. Allele origin: germline.
Comment: This sequence change replaces alanine, which is neutral and non-polar, with proline, which is neutral and non-polar, at codon 154 of the IFIH1 protein (p.Ala154Pro). This variant is present in population databases (rs376114651, gnomAD 0.002%). This variant has not been reported in the literature in individuals affected with IFIH1-related conditions. ClinVar contains an entry for this variant (Variation ID: 2041331). Advanced modeling of protein sequence and biophysical properties (such as structural, functional, and spatial information, amino acid conservation, physicochemical variation, residue mobility, and thermodynamic stability) has been performed at Invitae for this missense variant, however the output from this modeling did not meet the statistical confidence thresholds required to predict the impact of this variant on IFIH1 protein function. In summary, the available evidence is currently insufficient to determine the role of this variant in disease. Therefore, it has been classified as a Variant of Uncertain Significance.

NM_022168.4(IFIH1):c.460G>C (p.Ala154Pro)

Gene: IFIH1 (interferon induced with helicase C domain 1; minus strand). Cytogenetic location: 2q24.2.
Variant type: single nucleotide variant.
Coding change: c.460G>C on transcript NM_022168.4 (MANE Select); coding-DNA position 460, G replaced by C.
Protein change: p.Ala154Pro; replaces alanine 154 with proline.
Molecular consequence: missense variant.
Genome position (GRCh38, 1-based): chr2:162,310,927, C>G on the plus strand (G>C on the coding strand, the complement: IFIH1 is on the minus strand). VCF-style: chr2-162310927-C-G. GRCh37 (hg19) VCF-style: chr2-163167437-C-G.
Other names: short protein forms A154P.
Identifiers: ClinVar variation 2041331 (VCV002041331.4), dbSNP rs376114651, ClinGen allele CA1934798.